The following is an entry in ClinVar:

NM_001042424.3(NSD2):c.2414_2460dup (p.Lys821Ter)

Gene: NSD2 (nuclear receptor binding SET domain protein 2; plus strand). Cytogenetic location: 4p16.3.
Variant type: Duplication.
Coding change: c.2414_2460dup on transcript NM_001042424.3 (MANE Select); coding-DNA positions 2414 to 2460, 47 bases duplicated.
Protein change: p.Lys821Ter; replaces lysine 821 with a stop codon.
Molecular consequence: nonsense.
Genome position (GRCh38, 1-based): chr4:1,955,236-1,955,282, 47 bases duplicated; duplicating any 47 consecutive bases within chr4:1,955,235-1,955,282 gives the same sequence; the c. name uses the placement nearest the transcript's 3' end. GRCh37 (hg19): chr4:1,956,963-1,957,009.
Other names: c.2414_2460dup, p.Lys821Ter (NM_133330.3, NM_133331.3, NM_133335.4); short protein forms K821*.
Identifiers: ClinVar variation 4072286 (VCV004072286.1).

ClinVar aggregate classification (germline): Likely pathogenic (1 of 4 stars; one submission).

Conditions:
Rauch-Steindl syndrome (RAUST). Identifiers: Orphanet 659642, MedGen C5562061, MONDO:0859219, OMIM 619695.

Submission:

3billion
Classification: Likely pathogenic for Rauch-Steindl syndrome. Last evaluated: 2024-07-03. Review status: criteria provided, single submitter. Criteria: ACMG Guidelines, 2015. Collection method: clinical testing. Allele origin: germline. Affected: yes.
Comment: The variant is not observed in the gnomAD v4.0.0 dataset. Predicted Consequence/Location: Stop-gained (nonsense): predicted to result in a loss or disruption of normal protein function through nonsense-mediated decay (NMD) or protein truncation. Multiple pathogenic variants are reported downstream of the variant. Therefore, this variant is classified as Likely pathogenic according to the recommendation of ACMG/AMP guideline.